The following is an entry in ClinVar:

NM_001142966.3(GREB1L):c.3977del (p.Lys1326fs)

Gene: GREB1L (GREB1 like retinoic acid receptor coactivator; plus strand). Cytogenetic location: 18q11.2.
Variant type: Deletion.
Coding change: c.3977del on transcript NM_001142966.3 (MANE Select); coding-DNA position 3977, one base deleted (A; older notation c.3977delA).
Protein change: p.Lys1326fs; shifts the reading frame from lysine 1326.
Molecular consequence: frameshift variant.
Genome position (GRCh38, 1-based): chr18:21,500,547, A deleted; the last of 3 consecutive A bases (chr18:21,500,545-21,500,547); deleting any one gives the same sequence. VCF-style (leftmost placement, unchanged base first): chr18-21500544-GA-G. GRCh37 (hg19) VCF-style: chr18-19080505-GA-G.
Other names: short protein forms K1326fs.
Identifiers: ClinVar variation 1172553 (VCV001172553.1), dbSNP rs2145944441, ClinGen allele CA2499225053.

ClinVar aggregate classification (germline): Pathogenic (1 of 4 stars; one submission).

Conditions:
Renal hypodysplasia/aplasia 3 (RHDA3). Identifiers: MedGen C4540497, MONDO:0024520, OMIM 617805.

Submission:

HudsonAlpha Institute for Biotechnology
Classification: Pathogenic for Renal hypodysplasia/aplasia 3. Last evaluated: 2021-05-26. Review status: criteria provided, single submitter. Criteria: ACMG Guidelines, 2015. Collection method: research. Allele origin: unknown. Affected: yes. Observed: 1 variant allele. Study: CSER-SouthSeq.
Comment: ACMG codes:PVS1; PM2; PP4